The following is an entry in ClinVar:

NM_001374736.1(DST):c.16047C>T (p.Thr5349=)

Gene: DST (dystonin; minus strand). Cytogenetic location: 6p12.1.
Variant type: single nucleotide variant.
Coding change: c.16047C>T on transcript NM_001374736.1 (MANE Select); coding-DNA position 16047, C replaced by T.
Protein change: p.Thr5349=; no amino-acid change (threonine 5349 retained).
Molecular consequence: synonymous variant.
Genome position (GRCh38, 1-based): chr6:56,552,745, G>A on the plus strand (C>T on the coding strand, the complement: DST is on the minus strand). VCF-style: chr6-56552745-G-A. GRCh37 (hg19) VCF-style: chr6-56417543-G-A.
Other names: c.9690C>T, p.Thr3230= (NM_001144769.5); c.9276C>T, p.Thr3092= (NM_001144770.2); c.16047C>T, p.Thr5349= (NM_001374722.1); c.15414C>T, p.Thr5138= (NM_001374729.1); c.9156C>T, p.Thr3052= (NM_001374730.1, NM_001386100.1, NM_183380.4); c.16074C>T, p.Thr5358= (NM_001374734.1); c.8178C>T, p.Thr2726= (NM_015548.5).
Identifiers: ClinVar variation 2187452 (VCV002187452.2), dbSNP rs370841140, ClinGen allele CA450619419.
Genomic context (GRCh38, chr6:56,552,745, plus strand): 5'-CTGCTGACTTAGTGTACTATGCTCTTGAGCTATGGTTTCCACTTGTAATAAAACATCAGA[G>A]GTTCCCTTTGAGTCTGAGGCCTCTACCACAAGGTCCTGTGCAAGTCTTTTAGCCAAATCT-3'
Protein context (NP_001361665.1, residues 5339-5359): LVVEASDSKG[Thr5349=]SDVLLQVETI

ClinVar aggregate classification (germline): Uncertain significance (1 of 4 stars; one submission).

Conditions:
Hereditary sensory and autonomic neuropathy type 6. Also called: HSAN VI; Neuropathy, hereditary sensory and autonomic, type VI. Identifiers: Orphanet 314381, MedGen C3539003, MONDO:0013839, OMIM 614653.
Epidermolysis bullosa simplex 3, localized or generalized intermediate, with BP230 deficiency (EBS3). Also called: Epidermolysis bullosa simplex due to BP230 deficiency; Epidermolysis bullosa simplex, autosomal recessive 2. Identifiers: Orphanet 412181, MedGen C3809470, MONDO:0014180, OMIM 615425.

gnomAD v4.1: 3 of 1,611,252 alleles (0.00019%); highest among the groups gnomAD compares: Non-Finnish European, 0.00025%; no homozygotes.

Submission:

Labcorp Genetics (formerly Invitae), Labcorp
Classification: Uncertain significance for Epidermolysis bullosa simplex 3, localized or generalized intermediate, with BP230 deficiency; Hereditary sensory and autonomic neuropathy type 6. Last evaluated: 2022-03-18. Review status: criteria provided, single submitter. Criteria: Invitae Variant Classification Sherloc (09022015). Collection method: clinical testing. Allele origin: germline.
Comment: The DST gene has multiple clinically relevant transcripts. This variant occurs in alternate transcript NM_015548.4, and corresponds to NM_001723.5:c.*62772C>T in the primary transcript. This sequence change affects codon 2726 of the DST mRNA. It is a 'silent' change, meaning that it does not change the encoded amino acid sequence of the DST protein. In summary, the available evidence is currently insufficient to determine the role of this variant in disease. Therefore, it has been classified as a Variant of Uncertain Significance. Experimental studies and prediction algorithms are not available or were not evaluated, and the effect of this variant on mRNA splicing is currently unknown. This variant has not been reported in the literature in individuals affected with DST-related conditions. This variant is not present in population databases (gnomAD no frequency).